The following is an entry in ClinVar:

NM_031844.3(HNRNPU):c.1958C>G (p.Thr653Ser)

Gene: HNRNPU (heterogeneous nuclear ribonucleoprotein U; minus strand). Cytogenetic location: 1q44.
Variant type: single nucleotide variant.
Coding change: c.1958C>G on transcript NM_031844.3 (MANE Select); coding-DNA position 1958, C replaced by G.
Protein change: p.Thr653Ser; replaces threonine 653 with serine.
Molecular consequence: missense variant.
Genome position (GRCh38, 1-based): chr1:244,856,113, G>C on the plus strand (C>G on the coding strand, the complement: HNRNPU is on the minus strand). VCF-style: chr1-244856113-G-C. GRCh37 (hg19) VCF-style: chr1-245019415-G-C.
Other names: c.1901C>G, p.Thr634Ser (NM_004501.3); short protein forms T634S, T653S.
Identifiers: ClinVar variation 1920906 (VCV001920906.5), dbSNP rs1206290880, ClinGen allele CA345488481.

ClinVar aggregate classification (germline): Uncertain significance (1 of 4 stars; one submission).

Conditions:
Developmental and epileptic encephalopathy, 54. Also called: HNRNPU-Related Neurodevelopmental Disorder; Epileptic encephalopathy, early infantile, 54. Identifiers: MedGen C4479319, MONDO:0033363, OMIM 617391.

Submission:

Labcorp Genetics (formerly Invitae), Labcorp
Classification: Uncertain significance for Developmental and epileptic encephalopathy, 54. Last evaluated: 2022-03-13. Review status: criteria provided, single submitter. Criteria: Invitae Variant Classification Sherloc (09022015). Collection method: clinical testing. Allele origin: germline.
Comment: In summary, the available evidence is currently insufficient to determine the role of this variant in disease. Therefore, it has been classified as a Variant of Uncertain Significance. Algorithms developed to predict the effect of missense changes on protein structure and function are either unavailable or do not agree on the potential impact of this missense change (SIFT: "Tolerated"; PolyPhen-2: "Not Available"; Align-GVGD: "Class C0"). This variant has not been reported in the literature in individuals affected with HNRNPU-related conditions. This variant is not present in population databases (gnomAD no frequency). This sequence change replaces threonine, which is neutral and polar, with serine, which is neutral and polar, at codon 653 of the HNRNPU protein (p.Thr653Ser).